The following is an entry in ClinVar:

NM_004990.4(MARS1):c.1705C>G (p.Leu569Val)

Gene: MARS1 (methionyl-tRNA synthetase 1; plus strand). Cytogenetic location: 12q13.3.
Variant type: single nucleotide variant.
Coding change: c.1705C>G on transcript NM_004990.4 (MANE Select); coding-DNA position 1705, C replaced by G.
Protein change: p.Leu569Val; replaces leucine 569 with valine.
Molecular consequence: missense variant.
Genome position (GRCh38, 1-based): chr12:57,512,305, C>G. VCF-style: chr12-57512305-C-G. GRCh37 (hg19) VCF-style: chr12-57906088-C-G.
Other names: short protein forms L569V.
Identifiers: ClinVar variation 2046056 (VCV002046056.4), dbSNP rs1877561893, ClinGen allele CA385462536.

ClinVar aggregate classification (germline): Uncertain significance (1 of 4 stars; one submission).

Conditions:
Charcot-Marie-Tooth disease axonal type 2U. Also called: CHARCOT-MARIE-TOOTH NEUROPATHY, TYPE 2U; CHARCOT-MARIE-TOOTH DISEASE, AXONAL, AUTOSOMAL DOMINANT, TYPE 2U. Identifiers: Orphanet 397735, MedGen C4084821, MONDO:0014566, OMIM 616280.
Severe early-onset pulmonary alveolar proteinosis due to MARS deficiency. Also called: PULMONARY ALVEOLAR PROTEINOSIS, REUNION ISLAND; Interstitial lung and liver disease. Identifiers: Orphanet 440427, MedGen C4225400, MONDO:0014206, OMIM 615486.

Allele frequency attached by ClinVar (database versions not stated): gnomAD exomes below 0.00001.
gnomAD v4.1: 1 of 1,614,136 alleles (0.000062%); highest among the groups gnomAD compares: East Asian, 0.0022%; no homozygotes.

Submission:

Labcorp Genetics (formerly Invitae), Labcorp
Classification: Uncertain significance for Charcot-Marie-Tooth disease axonal type 2U; Severe early-onset pulmonary alveolar proteinosis due to MARS deficiency. Last evaluated: 2021-12-27. Review status: criteria provided, single submitter. Criteria: Invitae Variant Classification Sherloc (09022015). Collection method: clinical testing. Allele origin: germline.
Comment: In summary, the available evidence is currently insufficient to determine the role of this variant in disease. Therefore, it has been classified as a Variant of Uncertain Significance. Algorithms developed to predict the effect of sequence changes on RNA splicing suggest that this variant may create or strengthen a splice site. Algorithms developed to predict the effect of missense changes on protein structure and function (SIFT, PolyPhen-2, Align-GVGD) all suggest that this variant is likely to be disruptive. This variant has not been reported in the literature in individuals affected with MARS-related conditions. This variant is not present in population databases (gnomAD no frequency). This sequence change replaces leucine, which is neutral and non-polar, with valine, which is neutral and non-polar, at codon 569 of the MARS protein (p.Leu569Val).